The following is an entry in ClinVar:

NM_001374736.1(DST):c.7535T>C (p.Met2512Thr)

Gene: DST (dystonin; minus strand). Cytogenetic location: 6p12.1.
Variant type: single nucleotide variant.
Coding change: c.7535T>C on transcript NM_001374736.1 (MANE Select); coding-DNA position 7535, T replaced by C.
Protein change: p.Met2512Thr; replaces methionine 2512 with threonine.
Molecular consequence: missense variant. On other transcripts: intron variant (6).
Genome position (GRCh38, 1-based): chr6:56,607,093, A>G on the plus strand (T>C on the coding strand, the complement: DST is on the minus strand). VCF-style: chr6-56607093-A-G. GRCh37 (hg19) VCF-style: chr6-56471891-A-G.
Other names: c.7535T>C, p.Met2512Thr (NM_001374722.1); c.6902T>C, p.Met2301Thr (NM_001374729.1); c.7562T>C, p.Met2521Thr (NM_001374734.1); c.5184+3334T>C (NM_001144769.5); c.4770+3334T>C (NM_001144770.2); c.4650+3334T>C (NM_001374730.1, NM_001386100.1, NM_183380.4); c.3672+3334T>C (NM_015548.5); short protein forms M2301T, M2512T, M2521T.
Identifiers: ClinVar variation 3239167 (VCV003239167.19), dbSNP rs199558039.

ClinVar aggregate classification (germline): Likely benign (1 of 4 stars; one submission).

Allele frequency attached by ClinVar (database versions not stated): ExAC 0.00087; TOPMed 0.00003; gnomAD 0.00018; gnomAD exomes 0.00036; 1000 Genomes Project 30x 0.00062; 1000 Genomes Project 0.00080.
gnomAD v4.1: 553 of 1,612,768 alleles (0.034%); highest among the groups gnomAD compares: South Asian, 0.58%; 5 homozygotes.

Submission:

CeGaT Center for Human Genetics Tuebingen
Classification: Likely benign. Last evaluated: 2025-03-01. Review status: criteria provided, single submitter. Criteria: CeGaT Center For Human Genetics Tuebingen Variant Classification Criteria Version 2. Collection method: clinical testing. Allele origin: germline. Affected: yes. Observed: 2 variant alleles.
Comment: DST: BP4, BS2